The following is an entry in ClinVar:

NM_012431.3(SEMA3E):c.1346A>T (p.Asp449Val)

Gene: SEMA3E (semaphorin 3E; minus strand). Cytogenetic location: 7q21.11.
Variant type: single nucleotide variant.
Coding change: c.1346A>T on transcript NM_012431.3 (MANE Select); coding-DNA position 1346, A replaced by T.
Protein change: p.Asp449Val; replaces aspartic acid 449 with valine.
Molecular consequence: missense variant.
Genome position (GRCh38, 1-based): chr7:83,400,048, T>A on the plus strand (A>T on the coding strand, the complement: SEMA3E is on the minus strand). VCF-style: chr7-83400048-T-A. GRCh37 (hg19) VCF-style: chr7-83029364-T-A.
Other names: c.1166A>T, p.Asp389Val (NM_001178129.2); short protein forms D389V, D449V.
Identifiers: ClinVar variation 1006338 (VCV001006338.8), dbSNP rs1788206837, ClinGen allele CA367927091.
Genomic context (GRCh38, chr7:83,400,048, plus strand): 5'-GTCAATTTAAATATCTCTGAGTACTTTCTCGTCTCTTTACCTGTCCCAATAAACAAGACG[T>A]CATATTGGCCATCCTCAGCTTCCACTCGATCTACTGCTATTTGTTTCAGGTTATATTTTC-3'
Protein context (NP_036563.1, residues 439-459): DRVEAEDGQY[Asp449Val]VLFIGTDNGI

ClinVar aggregate classification (germline): Uncertain significance (1 of 4 stars; one submission).

Conditions:
CHARGE syndrome (CHARGE). Also called: Hittner Hirsch Kreh syndrome; Coloboma, heart anomaly, choanal atresia, retardation, genital and ear anomalies; CHARGE association; Hall-Hittner syndrome; CHARGE ASSOCIATION--COLOBOMA, HEART ANOMALY, CHOANAL ATRESIA, RETARDATION, GENITAL AND EAR ANOMALIES. Identifiers: Orphanet 138, MedGen C0265354, MONDO:0008965.

Submission:

Labcorp Genetics (formerly Invitae), Labcorp
Classification: Uncertain significance for CHARGE syndrome. Last evaluated: 2020-05-01. Review status: criteria provided, single submitter. Criteria: Invitae Variant Classification Sherloc (09022015). Collection method: clinical testing. Allele origin: germline.
Comment: This sequence change replaces aspartic acid with valine at codon 449 of the SEMA3E protein (p.Asp449Val). The aspartic acid residue is highly conserved and there is a large physicochemical difference between aspartic acid and valine. This variant is not present in population databases (ExAC no frequency). This variant has not been reported in the literature in individuals with SEMA3E-related conditions. Algorithms developed to predict the effect of missense changes on protein structure and function are either unavailable or do not agree on the potential impact of this missense change (SIFT: "Deleterious"; PolyPhen-2: "Possibly Damaging"; Align-GVGD: "Class C15"). In summary, the available evidence is currently insufficient to determine the role of this variant in disease. Therefore, it has been classified as a Variant of Uncertain Significance.